The following is an entry in ClinVar:

NM_001267550.2(TTN):c.67541C>G (p.Thr22514Ser)

Genes: TTN (titin; minus strand), TTN-AS1 (TTN antisense RNA 1; plus strand), LOC126806423 (CDK7 strongly-dependent group 2 enhancer GRCh37_chr2:179443309-179444508; plus strand). Cytogenetic location: 2q31.2.
Variant type: single nucleotide variant.
Coding change: c.67541C>G on transcript NM_001267550.2 (MANE Select); coding-DNA position 67541, C replaced by G.
Protein change: p.Thr22514Ser; replaces threonine 22514 with serine.
Molecular consequence: missense variant.
Genome position (GRCh38, 1-based): chr2:178,579,656, G>C on the plus strand (C>G on the coding strand, the complement: TTN is on the minus strand). VCF-style: chr2-178579656-G-C. GRCh37 (hg19) VCF-style: chr2-179444383-G-C.
Other names: c.62618C>G, p.Thr20873Ser (NM_001256850.1); c.40346C>G, p.Thr13449Ser (NM_003319.4); c.59837C>G, p.Thr19946Ser (NM_133378.4); c.40721C>G, p.Thr13574Ser (NM_133432.3); c.40922C>G, p.Thr13641Ser (NM_133437.4); short protein forms T13449S, T13574S, T13641S, T19946S, T20873S, T22514S.
Identifiers: ClinVar variation 3027083 (VCV003027083.22), dbSNP rs544847834, ClinGen allele CA349423531.

ClinVar aggregate classification (germline): Uncertain significance (1 of 4 stars; one submission).

Submission:

CeGaT Center for Human Genetics Tuebingen
Classification: Uncertain significance. Last evaluated: 2024-01-01. Review status: criteria provided, single submitter. Criteria: CeGaT Center For Human Genetics Tuebingen Variant Classification Criteria Version 2. Collection method: clinical testing. Allele origin: germline. Affected: yes. Observed: 1 variant allele.
Comment: TTN: PM2, BP4